The following is an entry in ClinVar:

ClinVar aggregate classification (germline): Uncertain significance (1 of 4 stars; one submission).

Conditions:
Congenital disorder of glycosylation (CDG). Also called: Congenital disorders of glycosylation; Carbohydrate-deficient glycoprotein syndrome. Identifiers: Orphanet 137, MedGen C0282577, MONDO:0015286.

Allele frequency attached by ClinVar (database versions not stated): ExAC 0.00012; ESP Exome Variant Server 0.00015; gnomAD exomes 0.00037.
gnomAD v4.1: 568 of 1,614,006 alleles (0.035%); highest among the groups gnomAD compares: Middle Eastern, 0.099%; 1 homozygote.

Submission:

Labcorp Genetics (formerly Invitae), Labcorp
Classification: Uncertain significance for Congenital disorder of glycosylation. Last evaluated: 2025-03-31. Review status: criteria provided, single submitter. Criteria: Invitae Variant Classification Sherloc (09022015). Collection method: clinical testing. Allele origin: germline.
Comment: This sequence change replaces serine, which is neutral and polar, with leucine, which is neutral and non-polar, at codon 512 of the RPN2 protein (p.Ser512Leu). This variant is present in population databases (rs151311325, gnomAD 0.03%). This variant has not been reported in the literature in individuals affected with RPN2-related conditions. ClinVar contains an entry for this variant (Variation ID: 2048183). An algorithm developed to predict the effect of missense changes on protein structure and function (PolyPhen-2) suggests that this variant is likely to be tolerated. In summary, the available evidence is currently insufficient to determine the role of this variant in disease. Therefore, it has been classified as a Variant of Uncertain Significance.

NM_002951.5(RPN2):c.1535C>T (p.Ser512Leu)

Gene: RPN2 (ribophorin II; plus strand). Cytogenetic location: 20q11.23.
Variant type: single nucleotide variant.
Coding change: c.1535C>T on transcript NM_002951.5 (MANE Select); coding-DNA position 1535, C replaced by T.
Protein change: p.Ser512Leu; replaces serine 512 with leucine.
Molecular consequence: missense variant.
Genome position (GRCh38, 1-based): chr20:37,230,013, C>T. VCF-style: chr20-37230013-C-T. GRCh37 (hg19) VCF-style: chr20-35858416-C-T.
Other names: c.1439C>T, p.Ser480Leu (NM_001135771.3); c.1535C>T, p.Ser512Leu (NM_001324299.2, NM_001324302.2, NM_001324303.2 and 1 more transcripts); c.1583C>T, p.Ser528Leu (NM_001324301.2, NM_001324305.2); c.1064C>T, p.Ser355Leu (NM_001324306.2); short protein forms S480L, S355L, S512L, S528L.
Identifiers: ClinVar variation 2048183 (VCV002048183.4), dbSNP rs151311325, ClinGen allele CA9847210.